The following is an entry in ClinVar:

NM_000203.5(IDUA):c.1707G>A (p.Ser569=)

Gene: IDUA (alpha-L-iduronidase; plus strand). Cytogenetic location: 4p16.3.
Variant type: single nucleotide variant.
Coding change: c.1707G>A on transcript NM_000203.5 (MANE Select); coding-DNA position 1707, G replaced by A.
Protein change: p.Ser569=; no amino-acid change (serine 569 retained).
Molecular consequence: synonymous variant. On other transcripts: non-coding transcript variant (1).
Genome position (GRCh38, 1-based): chr4:1,003,605, G>A. VCF-style: chr4-1003605-G-A. GRCh37 (hg19) VCF-style: chr4-997393-G-A.
Other names: c.1311G>A, p.Ser437= (NM_001363576.1); c.1707G>A (NM_000203.4).
Identifiers: ClinVar variation 2147891 (VCV002147891.5), dbSNP rs764370443, ClinGen allele CA2802356.

ClinVar aggregate classification (germline): Likely benign. Review status: criteria provided, multiple submitters, no conflicts (2 of 4 stars). 2 submissions from 2 submitters: Likely benign (2). Last evaluated 2026-01-19.

Conditions:
IDUA-related disorder. Also called: IDUA-related condition.
Mucopolysaccharidosis type 1. Also called: IDUA deficiency; MPS I; Mucopolysaccharidosis Type I. Identifiers: Orphanet 579, MedGen C0023786, MONDO:0001586.

Allele frequency attached by ClinVar (database versions not stated): ExAC 0.00001; gnomAD 0.00005; TOPMed 0.00008.
gnomAD v4.1: 125 of 1,612,294 alleles (0.0078%); highest among the groups gnomAD compares: Non-Finnish European, 0.01%; no homozygotes.

Submissions (2):

Labcorp Genetics (formerly Invitae), Labcorp
Classification: Likely benign for Mucopolysaccharidosis type 1. Last evaluated: 2026-01-19. Review status: criteria provided, single submitter. Criteria: Invitae Variant Classification Sherloc (09022015). Collection method: clinical testing. Allele origin: germline.

PreventionGenetics, part of Exact Sciences
Classification: Likely benign for IDUA-related condition. Last evaluated: 2025-08-21. Review status: criteria provided, single submitter. Criteria: ACMG Guidelines, 2015. Collection method: clinical testing. Allele origin: germline.
Comment: This variant is classified as likely benign based on ACMG/AMP sequence variant interpretation guidelines (Richards et al. 2015 PMID: 25741868, with internal and published modifications).